The following is an entry in ClinVar:

ClinVar aggregate classification (germline): Uncertain significance (1 of 4 stars; one submission).

Conditions:
PLXNA3-related disorder. Also called: PLXNA3-related condition.

gnomAD v4.1: 2 of 1,209,769 alleles (0.00017%); highest among the groups gnomAD compares: South Asian, 0.0018%; no homozygotes.

Submission:

PreventionGenetics, part of Exact Sciences
Classification: Uncertain significance for PLXNA3-related condition. Last evaluated: 2025-09-04. Review status: criteria provided, single submitter. Criteria: ACMG Guidelines, 2015. Collection method: clinical testing. Allele origin: germline.
Comment: The PLXNA3 c.57C>T variant is not predicted to result in an amino acid change (p.=). This variant is predicted to impact splicing based on available splicing prediction programs (SpliceAI, Jaganathan et al. 2019. PubMed ID: 30661751). However, the use of computer prediction programs is not equivalent to functional evidence. To our knowledge, this variant has not been reported in the literature or in a large population database (gnomAD), indicating this variant is rare. At this time, the clinical significance of this variant is uncertain due to the absence of conclusive functional and genetic evidence.

NM_017514.5(PLXNA3):c.57C>T (p.Gly19=)

Gene: PLXNA3 (plexin A3; plus strand). Cytogenetic location: Xq28.
Variant type: single nucleotide variant.
Coding change: c.57C>T on transcript NM_017514.5 (MANE Select); coding-DNA position 57, C replaced by T.
Protein change: p.Gly19=; no amino-acid change (glycine 19 retained).
Molecular consequence: synonymous variant.
Genome position (GRCh38, 1-based): chrX:154,460,240, C>T. VCF-style: chrX-154460240-C-T. GRCh37 (hg19) VCF-style: chrX-153688580-C-T.
Identifiers: ClinVar variation 4986987 (VCV004986987.1).
Genomic context (GRCh38, chrX:154,460,240, plus strand): 5'-GGCCATGCCCTCTGTCTGCCTCCTCCTGCTGCTCTTCCTTGCCGTGGGGGGGGCCCTGGG[C>T]AACAGGCCCTTCCGTGCCTTCGTGGTGACAGACACCACGCTTACCCACCTGGCTGTGCAC-3'
Protein context (NP_059984.3, residues 9-29): LLFLAVGGAL[Gly19=]NRPFRAFVVT